The following is an entry in ClinVar:

NM_005850.5(SF3B4):c.872C>G (p.Ser291Ter)

Gene: SF3B4 (splicing factor 3b subunit 4; minus strand). Cytogenetic location: 1q21.2.
Variant type: single nucleotide variant.
Coding change: c.872C>G on transcript NM_005850.5 (MANE Select); coding-DNA position 872, C replaced by G.
Protein change: p.Ser291Ter; replaces serine 291 with a stop codon.
Molecular consequence: nonsense.
Genome position (GRCh38, 1-based): chr1:149,925,877, G>C on the plus strand (C>G on the coding strand, the complement: SF3B4 is on the minus strand). VCF-style: chr1-149925877-G-C. GRCh37 (hg19) VCF-style: chr1-149897769-G-C.
Other names: short protein forms S291*.
Identifiers: ClinVar variation 3253581 (VCV003253581.1), dbSNP rs2092586827.

ClinVar aggregate classification (germline): Pathogenic (1 of 4 stars; one submission).

Submission:

GeneDx
Classification: Pathogenic. Last evaluated: 2024-02-15. Review status: criteria provided, single submitter. Criteria: GeneDx Variant Classification Process June 2021. Collection method: clinical testing. Allele origin: germline. Affected: yes.
Comment: Nonsense variant predicted to result in protein truncation or nonsense mediated decay in a gene for which loss of function is a known mechanism of disease; Not observed in large population cohorts (gnomAD); Has not been previously published as pathogenic or benign to our knowledge